The following is an entry in ClinVar:

ClinVar aggregate classification (germline): Uncertain significance (1 of 4 stars; one submission).

Submission:

Labcorp Genetics (formerly Invitae), Labcorp
Classification: Uncertain significance. Last evaluated: 2022-08-10. Review status: criteria provided, single submitter. Criteria: Invitae Variant Classification Sherloc (09022015). Collection method: clinical testing. Allele origin: germline.
Comment: In summary, the available evidence is currently insufficient to determine the role of this variant in disease. Therefore, it has been classified as a Variant of Uncertain Significance. Algorithms developed to predict the effect of missense changes on protein structure and function are either unavailable or do not agree on the potential impact of this missense change (SIFT: "Deleterious"; PolyPhen-2: "Probably Damaging"; Align-GVGD: "Class C0"). ClinVar contains an entry for this variant (Variation ID: 1428470). This variant has not been reported in the literature in individuals affected with CACNA2D4-related conditions. This variant is not present in population databases (gnomAD no frequency). This sequence change replaces proline, which is neutral and non-polar, with threonine, which is neutral and polar, at codon 545 of the CACNA2D4 protein (p.Pro545Thr).

NM_172364.5(CACNA2D4):c.1633C>A (p.Pro545Thr)

Gene: CACNA2D4 (calcium voltage-gated channel auxiliary subunit alpha2delta 4; minus strand). Cytogenetic location: 12p13.33.
Variant type: single nucleotide variant.
Coding change: c.1633C>A on transcript NM_172364.5 (MANE Select); coding-DNA position 1633, C replaced by A.
Protein change: p.Pro545Thr; replaces proline 545 with threonine.
Molecular consequence: missense variant.
Genome position (GRCh38, 1-based): chr12:1,878,967, G>T on the plus strand (C>A on the coding strand, the complement: CACNA2D4 is on the minus strand). VCF-style: chr12-1878967-G-T. GRCh37 (hg19) VCF-style: chr12-1988133-G-T.
Other names: short protein forms P545T.
Identifiers: ClinVar variation 1428470 (VCV001428470.6), dbSNP rs199622453, ClinGen allele CA383354009.